The following is an entry in ClinVar:

NM_001371928.1(AHDC1):c.1122dup (p.Gly375fs)

Gene: AHDC1 (AT-hook DNA binding motif containing 1; minus strand). Cytogenetic location: 1p36.11.
Variant type: Duplication.
Coding change: c.1122dup on transcript NM_001371928.1 (MANE Select); coding-DNA position 1122, one base duplicated (C; older notation c.1122dupC).
Protein change: p.Gly375fs; shifts the reading frame from glycine 375.
Molecular consequence: frameshift variant.
Genome position (GRCh38, 1-based): chr1:27,550,994, G duplicated on the plus strand (C on the coding strand, the reverse complement: AHDC1 is on the minus strand); the first of 7 consecutive G bases (chr1:27,550,994-27,551,000); duplicating any one gives the same sequence. VCF-style (leftmost placement, unchanged base first): chr1-27550993-C-CG. GRCh37 (hg19) VCF-style: chr1-27877504-C-CG.
Other names: p.Gly375ArgfsTer3; c.1122dup (NM_001029882.2); c.1122dup, p.Gly375fs (NM_001029882.3); c.1122dupC (NM_001371928.1); short protein forms G375fs.
Identifiers: ClinVar variation 208155 (VCV000208155.14), dbSNP rs749294057, ClinGen allele CA319657.
Genomic context (GRCh38, chr1:27,550,993, plus strand): 5'-GACACAGGATCTTTGGCCTATCAGTGCGCCGCAAGGCGTACTTGGGGTGACCCTCAGGCC[C>CG]GGGGGGGCCGTGCGGTGAGCACAAGTCCAGGCGCAAGGGCTCGGCCAGTGGGCAGTGCCC-3'

ClinVar aggregate classification (germline): Conflicting classifications of pathogenicity. Review status: criteria provided, conflicting classifications (1 of 4 stars). 8 submissions from 8 submitters: Pathogenic (5); Likely pathogenic (1); Uncertain significance (1). 1 of the submissions does not count toward it. Last evaluated 2026-07-24.

Conditions:
Inborn genetic diseases. Identifiers: MedGen C0950123, MeSH D030342.
AHDC1-related intellectual disability - obstructive sleep apnea - mild dysmorphism syndrome. Also called: Xia-Gibbs syndrome. Identifiers: Orphanet 412069, MedGen C4014419, MONDO:0014358, OMIM 615829.

Submissions (8):

Ambry Genetics
Classification: Pathogenic for Inborn genetic diseases. Last evaluated: 2026-07-24. Review status: criteria provided, single submitter. Criteria: Ambry Variant Classification Scheme 2023. Collection method: clinical testing. Allele origin: germline.
Comment: The c.1122dupC (p.G375Rfs*3) alteration, located in exon 6 (coding exon 1) of the AHDC1 gene, consists of a duplication of C at position 1122, causing a translational frameshift with a predicted alternate stop codon after 3 amino acids. This variant is expected to result in loss of function by premature protein truncation or nonsense-mediated mRNA decay. The Genome Aggregation Database (gnomAD) data for this variant is unreliable due to technical and/or biological issues; therefore, population frequency estimates were not considered. This variant was reported in individual(s) with features consistent with Xia-Gibbs syndrome; in at least one individual, it was determined to be de novo or the result of germline mosaicism (Yang, 2015; He, 2020; Khayat, 2021; Mubungu, 2021). Based on the available evidence, this alteration is classified as pathogenic.

Laboratory of Human Genetics, Universidade de São Paulo
Classification: Pathogenic for AHDC1-related intellectual disability - obstructive sleep apnea - mild dysmorphism syndrome. Last evaluated: 2024-06-21. Review status: criteria provided, single submitter. Criteria: ACMG Guidelines, 2015. Collection method: clinical testing. Allele origin: de novo. Affected: yes. Observed: 1 heterozygote.
Comment: PS4, PVS1, PM2

Labcorp Genetics (formerly Invitae), Labcorp
Classification: Pathogenic. Last evaluated: 2023-11-20. Review status: criteria provided, single submitter. Criteria: Invitae Variant Classification Sherloc (09022015). Collection method: clinical testing. Allele origin: germline.
Comment: This sequence change creates a premature translational stop signal (p.Gly375Argfs*3) in the AHDC1 gene. It is expected to result in an absent or disrupted protein product. Loss-of-function variants in AHDC1 are known to be pathogenic (PMID: 24791903, 27148574). The frequency data for this variant in the population databases is considered unreliable, as metrics indicate poor data quality at this position in the gnomAD database. This premature translational stop signal has been observed in individual(s) with AHDC1-related conditions (PMID: 27148574, 33644933). ClinVar contains an entry for this variant (Variation ID: 208155). For these reasons, this variant has been classified as Pathogenic.

GeneDx
Classification: Pathogenic. Last evaluated: 2023-04-10. Review status: criteria provided, single submitter. Criteria: GeneDx Variant Classification Process June 2021. Collection method: clinical testing. Allele origin: germline. Affected: yes.
Comment: Frameshift variant predicted to result in protein truncation, as the last 1229 amino acids are replaced with 2 different amino acids; Not observed at significant frequency in large population cohorts (gnomAD); This variant is associated with the following publications: (PMID: 27148574, 31812316, 33644933, 33372375)

Mendelics
Classification: Uncertain significance. Last evaluated: 2022-05-04. Review status: criteria provided, single submitter. Criteria: Mendelics Assertion Criteria 2019. Collection method: clinical testing. Allele origin: germline.

Genetics Laboratory, UDIAT-Centre Diagnòstic, Hospital Universitari Parc Tauli
Classification: Likely pathogenic. Last evaluated: 2021-04-26. Review status: criteria provided, single submitter. Criteria: Parc Tauli Hospital Assertion Criteria 2021. Collection method: clinical testing. Allele origin: de novo. Inheritance: Autosomal dominant inheritance. Affected: yes. Observed: 1 heterozygote.
Comment: PVS1_strong;PM2_supporting;PM6_moderate

Laboratoire de Génétique Moléculaire, CHU Bordeaux
Classification: Pathogenic. Review status: criteria provided, single submitter. Criteria: ACMG Guidelines, 2015. Collection method: clinical testing. Allele origin: germline. Affected: yes.

Human Genome Sequencing Center Clinical Lab, Baylor College of Medicine
Classification: Pathogenic for AHDC1-related intellectual disability - obstructive sleep apnea - mild dysmorphism syndrome. Review status: no assertion criteria provided. Collection method: clinical testing. Allele origin: de novo. Affected: yes. Not counted in ClinVar's aggregate classification.

Literature cited by the submitters: PubMed 27148574 (cited by Ambry Genetics and Labcorp Genetics (formerly Invitae), Labcorp); PubMed 31812316 (cited by Ambry Genetics); PubMed 33372375 (cited by Ambry Genetics); PubMed 33644933 (cited by Ambry Genetics and Labcorp Genetics (formerly Invitae), Labcorp); PubMed 24791903 (cited by Labcorp Genetics (formerly Invitae), Labcorp).